The following is an entry in ClinVar:

NM_013444.4(UBQLN2):c.857A>G (p.Gln286Arg)

Gene: UBQLN2 (ubiquilin 2; plus strand). Cytogenetic location: Xp11.21.
Variant type: single nucleotide variant.
Coding change: c.857A>G on transcript NM_013444.4 (MANE Select); coding-DNA position 857, A replaced by G.
Protein change: p.Gln286Arg; replaces glutamine 286 with arginine.
Molecular consequence: missense variant.
Genome position (GRCh38, 1-based): chrX:56,564,730, A>G. VCF-style: chrX-56564730-A-G. GRCh37 (hg19) VCF-style: chrX-56591163-A-G.
Other names: short protein forms Q286R.
Identifiers: ClinVar variation 1385910 (VCV001385910.6), dbSNP rs2146636094, ClinGen allele CA413379306.

ClinVar aggregate classification (germline): Uncertain significance (1 of 4 stars; one submission).

Conditions:
Amyotrophic lateral sclerosis type 15. Also called: AMYOTROPHIC LATERAL SCLEROSIS 15 WITH FRONTOTEMPORAL DEMENTIA. Identifiers: Orphanet 803, MedGen C3275459, MONDO:0010459, OMIM 300857.

Allele frequency attached by ClinVar (database versions not stated): gnomAD exomes below 0.00001.
gnomAD v4.1: 1 of 1,211,714 alleles (0.000083%); highest among the groups gnomAD compares: Non-Finnish European, 0.00011%; no homozygotes.

Submission:

Labcorp Genetics (formerly Invitae), Labcorp
Classification: Uncertain significance for Amyotrophic lateral sclerosis type 15. Last evaluated: 2021-04-08. Review status: criteria provided, single submitter. Criteria: Invitae Variant Classification Sherloc (09022015). Collection method: clinical testing. Allele origin: germline.
Comment: In summary, the available evidence is currently insufficient to determine the role of this variant in disease. Therefore, it has been classified as a Variant of Uncertain Significance. Algorithms developed to predict the effect of missense changes on protein structure and function are either unavailable or do not agree on the potential impact of this missense change (SIFT: "Not Available"; PolyPhen-2: "Probably Damaging"; Align-GVGD: "Not Available"). This variant has not been reported in the literature in individuals with UBQLN2-related conditions. This variant is not present in population databases (ExAC no frequency). This sequence change replaces glutamine with arginine at codon 286 of the UBQLN2 protein (p.Gln286Arg). The glutamine residue is moderately conserved and there is a small physicochemical difference between glutamine and arginine.